The following is an entry in ClinVar:

ClinVar aggregate classification (germline): Conflicting classifications of pathogenicity. Review status: criteria provided, conflicting classifications (1 of 4 stars). 9 submissions from 9 submitters: Uncertain significance (5); Likely benign (3). 1 of the submissions does not count toward it. Last evaluated 2026-01-20.

Conditions:
Hereditary cancer-predisposing syndrome. Also called: Tumor predisposition; Hereditary Cancer Syndrome; Hereditary neoplastic syndrome; Neoplastic Syndromes, Hereditary. Identifiers: Orphanet 140162, MedGen C0027672, MeSH D009386, MONDO:0015356.
Familial cancer of breast. Also called: BREAST CANCER, FAMILIAL; Hereditary breast cancer; hereditary breast carcinoma. Identifiers: Orphanet 227535, MedGen C0346153, MONDO:0016419, OMIM 114480. Disease mechanism: loss of function.
PALB2-related disorder. Also called: PALB2-related condition; PALB2-related disorders.
Breast-ovarian cancer, familial, susceptibility to, 5 (BROVCA5). Identifiers: MedGen C5830615, MONDO:0957530, OMIM 620442.
Ovarian cancer. Also called: OVARIAN CANCER, SOMATIC. Identifiers: Orphanet 213500, MedGen C1140680, MONDO:0008170, OMIM 167000.
Breast and/or ovarian cancer. Identifiers: MedGen CN221562.

Allele frequency attached by ClinVar (database versions not stated): gnomAD exomes 0.00001 and 0.00002; gnomAD 0.00002 and 0.00003; ExAC 0.00003; TOPMed 0.00003; 1000 Genomes Project 30x 0.00016; 1000 Genomes Project 0.00020.
gnomAD v4.1: 12 of 1,614,024 alleles (0.00074%); highest among the groups gnomAD compares: East Asian, 0.027%; no homozygotes.

Submissions (9):

Labcorp Genetics (formerly Invitae), Labcorp
Classification: Uncertain significance for Familial cancer of breast. Last evaluated: 2026-01-20. Review status: criteria provided, single submitter. Criteria: Invitae Variant Classification Sherloc (09022015). Collection method: clinical testing. Allele origin: germline.
Comment: This sequence change replaces proline, which is neutral and non-polar, with alanine, which is neutral and non-polar, at codon 405 of the PALB2 protein (p.Pro405Ala). This variant is present in population databases (rs545119348, gnomAD 0.03%). This missense change has been observed in individual(s) with breast cancer and/or colorectal cancer (PMID: 27978560, 28825143, 33309985, 33811135). ClinVar contains an entry for this variant (Variation ID: 410151). Invitae Evidence Modeling of protein sequence and biophysical properties (such as structural, functional, and spatial information, amino acid conservation, physicochemical variation, residue mobility, and thermodynamic stability) indicates that this missense variant is expected to disrupt PALB2 protein function with a positive predictive value of 80%. Experimental studies have shown that this missense change does not substantially affect PALB2 function (PMID: 33811135, 35853885). In summary, the available evidence is currently insufficient to determine the role of this variant in disease. Therefore, it has been classified as a Variant of Uncertain Significance.

Color Diagnostics, LLC DBA Color Health
Classification: Likely benign for Hereditary cancer-predisposing syndrome. Last evaluated: 2025-08-13. Review status: criteria provided, single submitter. Criteria: ACMG Guidelines, 2015. Collection method: clinical testing. Allele origin: germline.

Baylor Genetics
Classification: Uncertain significance for Familial cancer of breast. Last evaluated: 2023-12-17. Review status: criteria provided, single submitter. Criteria: ACMG Guidelines, 2015. Collection method: clinical testing. Allele origin: unknown.

Myriad Genetics, Inc.
Classification: Likely benign for Familial cancer of breast. Last evaluated: 2023-08-17. Review status: criteria provided, single submitter. Criteria: Myriad Autosomal Dominant, Autosomal Recessive and X-Linked Classification Criteria (2023). Collection method: clinical testing. Allele origin: unknown.
Comment: This variant is considered likely benign. This variant is strongly associated with less severe personal and family histories of cancer, typical for individuals without pathogenic variants in this gene [PMID: 25085752].

PreventionGenetics, part of Exact Sciences
Classification: Uncertain significance for PALB2-related condition. Last evaluated: 2023-01-26. Review status: criteria provided, single submitter. Criteria: ACMG Guidelines, 2015. Collection method: clinical testing. Allele origin: germline.
Comment: The PALB2 c.1213C>G variant is predicted to result in the amino acid substitution p.Pro405Ala. This variant has been reported in an individual with breast cancer, but has also been reported in controls from a breast cancer cohort study and a colorectal cancer cohort study (Zhang et al. 2017. PubMed ID: 28825143; Table S1, Momozama et al. 2018. PubMed ID: 30287823; Table S5, Fujita et al. 2020. PubMed ID: 33309985). In vitro experimental studies suggest this variant does not impact PAMB2 chromatin association (Bleuyard et al. 2017. PubMed ID: 29387807). This variant is reported in 0.035% of alleles in individuals of East Asian descent in gnomAD and has conflicting interpretations of likely benign and uncertain significance. At this time, the clinical significance of this variant is uncertain due to the absence of conclusive functional and genetic evidence.

CHEO Genetics Diagnostic Laboratory, Children's Hospital of Eastern Ontario
Classification: Uncertain significance for Breast and/or ovarian cancer. Last evaluated: 2022-09-23. Review status: criteria provided, single submitter. Criteria: ACMG Guidelines, 2015. Collection method: clinical testing. Allele origin: germline.

Ambry Genetics
Classification: Likely benign for Hereditary cancer-predisposing syndrome. Last evaluated: 2021-04-16. Review status: criteria provided, single submitter. Criteria: Ambry Variant Classification Scheme 2023. Collection method: clinical testing. Allele origin: germline.

Department of Pathology and Laboratory Medicine, Sinai Health System
Classification: Uncertain significance for Breast-ovarian cancer, familial, susceptibility to, 5. Last evaluated: 2019-12-30. Review status: criteria provided, single submitter. Criteria: ACMG Guidelines, 2015. Collection method: clinical testing. Allele origin: germline. Affected: yes.

Laboratory of Molecular Epidemiology of Birth Defects, West China Second University Hospital, Sichuan University
Classification: Likely pathogenic for Ovarian cancer. Last evaluated: 2022-01-01. Review status: flagged submission. Criteria: ACMG Guidelines, 2015. Collection method: clinical testing. Allele origin: germline. Affected: yes. Not counted in ClinVar's aggregate classification.
ClinVar note: Reason: Outlier claim with insufficient supporting evidence

Literature cited by the submitters: PubMed 27978560 (cited by Labcorp Genetics (formerly Invitae), Labcorp and Department of Pathology and Laboratory Medicine, Sinai Health System); PubMed 28825143 (cited by Labcorp Genetics (formerly Invitae), Labcorp and Department of Pathology and Laboratory Medicine, Sinai Health System); PubMed 33309985 (cited by Labcorp Genetics (formerly Invitae), Labcorp and Ambry Genetics); PubMed 33811135 (cited by Labcorp Genetics (formerly Invitae), Labcorp); PubMed 35853885 (cited by Labcorp Genetics (formerly Invitae), Labcorp); PubMed 25085752 (cited by Myriad Genetics, Inc.); PubMed 29387807 (cited by Ambry Genetics); PubMed 30287823 (cited by Ambry Genetics and Department of Pathology and Laboratory Medicine, Sinai Health System); PubMed 33471991 (cited by Ambry Genetics).

NM_024675.4(PALB2):c.1213C>G (p.Pro405Ala)

Gene: PALB2 (partner and localizer of BRCA2; minus strand). Cytogenetic location: 16p12.2.
Variant type: single nucleotide variant.
Coding change: c.1213C>G on transcript NM_024675.4 (MANE Select); coding-DNA position 1213, C replaced by G.
Protein change: p.Pro405Ala; replaces proline 405 with alanine.
Molecular consequence: missense variant.
Genome position (GRCh38, 1-based): chr16:23,635,333, G>C on the plus strand (C>G on the coding strand, the complement: PALB2 is on the minus strand). VCF-style: chr16-23635333-G-C. GRCh37 (hg19) VCF-style: chr16-23646654-G-C.
Other names: short protein forms P405A.
Identifiers: ClinVar variation 410151 (VCV000410151.28), dbSNP rs545119348, ClinGen allele CA7963723.
Genomic context (GRCh38, chr16:23,635,333, plus strand): 5'-CGGCTACTTTCCTCTGGCAATTGGACATGCTTCGTGTTGTTCTAACATAATATTCTGCAG[G>C]AAACAGAAGGCCTTCAGGCACTGTGCAAGAATGTTTTTCTGCAGAAAGAGGAGAGGTTGC-3'
Protein context (NP_078951.2, residues 395-415): SCTVPEGLLF[Pro405Ala]AEYYVRTTRS